The following is an entry in ClinVar:

NM_144628.4(TBC1D20):c.1025G>A (p.Arg342Gln)

Gene: TBC1D20 (TBC1 domain family member 20; minus strand). Cytogenetic location: 20p13.
Variant type: single nucleotide variant.
Coding change: c.1025G>A on transcript NM_144628.4 (MANE Select); coding-DNA position 1025, G replaced by A.
Protein change: p.Arg342Gln; replaces arginine 342 with glutamine.
Molecular consequence: missense variant. On other transcripts: non-coding transcript variant (1).
Genome position (GRCh38, 1-based): chr20:438,773, C>T on the plus strand (G>A on the coding strand, the complement: TBC1D20 is on the minus strand). VCF-style: chr20-438773-C-T. GRCh37 (hg19) VCF-style: chr20-419417-C-T.
Other names: short protein forms R342Q.
Identifiers: ClinVar variation 1214523 (VCV001214523.3), dbSNP rs765341639, ClinGen allele CA310628202.
Genomic context (GRCh38, chr20:438,773, plus strand): 5'-GGCTTGGTCAGGACATCTTTTGTTCGATCTTCAGGCCGCAGAAGTCCCCGAAACCGCTGC[C>T]GCAGCACCATATCAGGCCTCTGCTGGGCTGATGCCAGCTCAAAGTCTTTGAAAGTAGAGG-3'
Protein context (NP_653229.1, residues 332-352): SAQQRPDMVL[Arg342Gln]QRFRGLLRPE

ClinVar aggregate classification (germline): Uncertain significance (1 of 4 stars; one submission).

Allele frequency attached by ClinVar (database versions not stated): TOPMed below 0.00001; gnomAD 0.00001; gnomAD exomes 0.00001 and 0.00002.
gnomAD v4.1: 29 of 1,614,090 alleles (0.0018%); highest among the groups gnomAD compares: Non-Finnish European, 0.0025%; no homozygotes.

Submission:

GeneDx
Classification: Uncertain significance. Last evaluated: 2019-07-24. Review status: criteria provided, single submitter. Criteria: GeneDx Variant Classification Process June 2021. Collection method: clinical testing. Allele origin: germline. Affected: yes.
Comment: Not observed at a significant frequency in large population cohorts (Lek et al., 2016); In silico analysis, which includes protein predictors and evolutionary conservation, supports that this variant does not alter protein structure/function; Has not been previously published as pathogenic or benign to our knowledge